The following is an entry in ClinVar:

ClinVar aggregate classification (germline): Uncertain significance (1 of 4 stars; one submission).

Conditions:
Benign neonatal seizures. Also called: Benign neonatal familial convulsions; Convulsions benign familial neonatal dominant form; Autosomal dominant form of benign neonatal seizures; Benign familial neonatal epilepsy; Benign familial neonatal seizures. Identifiers: Orphanet 1949, MedGen C0220669, MONDO:0016027.

Allele frequency attached by ClinVar (database versions not stated): gnomAD 0.00001; TOPMed 0.00001.

Submission:

Labcorp Genetics (formerly Invitae), Labcorp
Classification: Uncertain significance for Benign neonatal seizures. Last evaluated: 2021-03-26. Review status: criteria provided, single submitter. Criteria: Invitae Variant Classification Sherloc (09022015). Collection method: clinical testing. Allele origin: germline.
Comment: Algorithms developed to predict the effect of missense changes on protein structure and function are either unavailable or do not agree on the potential impact of this missense change (SIFT: "Deleterious"; PolyPhen-2: "Probably Damaging"; Align-GVGD: "Class C0"). This sequence change replaces leucine with glutamine at codon 88 of the KCNQ3 protein (p.Leu88Gln). The leucine residue is moderately conserved and there is a moderate physicochemical difference between leucine and glutamine. This variant is not present in population databases (ExAC no frequency). This variant has not been reported in the literature in individuals with KCNQ3-related conditions. Algorithms developed to predict the effect of sequence changes on RNA splicing suggest that this variant may create or strengthen a splice site, but this prediction has not been confirmed by published transcriptional studies. In summary, the available evidence is currently insufficient to determine the role of this variant in disease. Therefore, it has been classified as a Variant of Uncertain Significance.

NM_004519.4(KCNQ3):c.263T>A (p.Leu88Gln)

Gene: KCNQ3 (potassium voltage-gated channel subfamily Q member 3; minus strand). Cytogenetic location: 8q24.22.
Variant type: single nucleotide variant.
Coding change: c.263T>A on transcript NM_004519.4 (MANE Select); coding-DNA position 263, T replaced by A.
Protein change: p.Leu88Gln; replaces leucine 88 with glutamine.
Molecular consequence: missense variant.
Genome position (GRCh38, 1-based): chr8:132,480,270, A>T on the plus strand (T>A on the coding strand, the complement: KCNQ3 is on the minus strand). VCF-style: chr8-132480270-A-T. GRCh37 (hg19) VCF-style: chr8-133492517-A-T.
Other names: short protein forms L88Q.
Identifiers: ClinVar variation 1417119 (VCV001417119.8), dbSNP rs1051073307, ClinGen allele CA186258324.